The following is an entry in ClinVar:

ClinVar aggregate classification (germline): Benign (3 of 4 stars; one submission).

Conditions:
Breast-ovarian cancer, familial, susceptibility to, 1 (BROVCA1). Also called: BRCA1 Hereditary Breast and Ovarian Cancer; OVARIAN CANCER, SUSCEPTIBILITY TO. Identifiers: Orphanet 145, MedGen C2676676, MONDO:0011450, OMIM 604370. Disease mechanism: loss of function.

Allele frequency attached by ClinVar (database versions not stated): TOPMed 0.30199; gnomAD 0.30920 and 0.31668; 1000 Genomes Project 30x 0.34791; 1000 Genomes Project 0.35363.
gnomAD v4.1: 48,112 of 151,884 alleles (32%); highest among the groups gnomAD compares: South Asian, 49%; 7,952 homozygotes.

Submission:

Evidence-based Network for the Interpretation of Germline Mutant Alleles (ENIGMA)
Classification: Benign for Breast-ovarian cancer, familial 1. Last evaluated: 2015-01-12. Review status: reviewed by expert panel. Criteria: ENIGMA BRCA1/2 Classification Criteria (2015). Collection method: curation. Allele origin: germline.
Comment: Class 1 not pathogenic based on frequency >1% in an outbred sampleset. Frequency 0.3304 (Asian), 0.2154 (African), 0.3602 (European), derived from 1000 genomes (2012-04-30).

NM_007294.4(BRCA1):c.5074+1292C>T

Gene: BRCA1 (BRCA1 DNA repair associated; minus strand). Cytogenetic location: 17q21.31.
Variant type: single nucleotide variant.
Coding change: c.5074+1292C>T on transcript NM_007294.4 (MANE Select); 1292 bases into the intron after coding-DNA position 5074, C replaced by T.
Molecular consequence: intron variant.
Genome position (GRCh38, 1-based): chr17:43,066,316, G>A on the plus strand (C>T on the coding strand, the complement: BRCA1 is on the minus strand). VCF-style: chr17-43066316-G-A. GRCh37 (hg19) VCF-style: chr17-41218333-G-A.
Other names: IVS 17+1292C>T; c.1621+1292C>T (NM_001408458.1, NM_001408461.1, NM_001408464.1 and 7 more transcripts); c.4183+1292C>T (NM_001407967.1); c.4693+1292C>T (NM_001407959.1); c.4807+1292C>T (NM_001407931.1, NM_001407932.1, NM_001407928.1 and 4 more transcripts); c.4930+1292C>T (NM_001407747.1, NM_001407745.1, NM_001407737.1 and 21 more transcripts); c.4690+1292C>T (NM_001407962.1, NM_001407960.1); c.1261+1292C>T (NM_001408512.1); and 72 more.
Identifiers: ClinVar variation 209336 (VCV000209336.2), dbSNP rs4793194, ClinGen allele CA276308.